The following is an entry in ClinVar:

ClinVar aggregate classification (germline): Uncertain significance (1 of 4 stars; one submission).

Submission:

Labcorp Genetics (formerly Invitae), Labcorp
Classification: Uncertain significance. Last evaluated: 2021-09-23. Review status: criteria provided, single submitter. Criteria: Invitae Variant Classification Sherloc (09022015). Collection method: clinical testing. Allele origin: germline.
Comment: This sequence change replaces methionine with isoleucine at codon 339 of the IFNAR2 protein (p.Met339Ile). The methionine residue is moderately conserved and there is a small physicochemical difference between methionine and isoleucine. In summary, the available evidence is currently insufficient to determine the role of this variant in disease. Therefore, it has been classified as a Variant of Uncertain Significance. Algorithms developed to predict the effect of missense changes on protein structure and function (SIFT, PolyPhen-2, Align-GVGD) all suggest that this variant is likely to be tolerated. This variant has not been reported in the literature in individuals affected with IFNAR2-related conditions. This variant is not present in population databases (ExAC no frequency).

NM_001289125.3(IFNAR2):c.1017G>A (p.Met339Ile)

Genes: IFNAR2 (interferon alpha and beta receptor subunit 2; plus strand), IFNAR2-IL10RB (IFNAR2-IL10RB readthrough; plus strand). Cytogenetic location: 21q22.11.
Variant type: single nucleotide variant.
Coding change: c.1017G>A on transcript NM_001289125.3 (MANE Select); coding-DNA position 1017, G replaced by A.
Protein change: p.Met339Ile; replaces methionine 339 with isoleucine.
Molecular consequence: missense variant. On other transcripts: 3 prime UTR variant (5).
Genome position (GRCh38, 1-based): chr21:33,262,969, G>A. VCF-style: chr21-33262969-G-A. GRCh37 (hg19) VCF-style: chr21-34635274-G-A.
Other names: c.*253G>A (NM_000874.5, NM_207584.3); c.*166G>A (NM_001289126.2, NM_001289128.2); c.*392G>A (NM_001385054.1); c.1017G>A, p.Met339Ile (NM_001385055.1, NM_207585.3); short protein forms M339I.
Identifiers: ClinVar variation 1362835 (VCV001362835.6), dbSNP rs2123542026, ClinGen allele CA410104841.
Genomic context (GRCh38, chr21:33,262,969, plus strand): 5'-TGATGAAAGTGATAGCGATACTGAGGCAGCGCCCAGGACAAGTGGCGGTGGCTATACCAT[G>A]CATGGACTGACTGTCAGGCCTCTGGGTCAGGCCTCTGCCACCTCTACAGAATCCCAGTTG-3'
Protein context (NP_001276054.1, residues 329-349): APRTSGGGYT[Met339Ile]HGLTVRPLGQ